The following is an entry in ClinVar:

NM_000088.4(COL1A1):c.2236-1G>A

Gene: COL1A1 (collagen type I alpha 1 chain; minus strand). Cytogenetic location: 17q21.33.
Variant type: single nucleotide variant.
Coding change: c.2236-1G>A on transcript NM_000088.4 (MANE Select); the canonical splice acceptor site of the intron before coding-DNA position 2236, G replaced by A.
Molecular consequence: splice acceptor variant.
Genome position (GRCh38, 1-based): chr17:50,190,925, C>T on the plus strand (G>A on the coding strand, the complement: COL1A1 is on the minus strand). VCF-style: chr17-50190925-C-T. GRCh37 (hg19) VCF-style: chr17-48268286-C-T.
Identifiers: ClinVar variation 4686111 (VCV004686111.1).
Genomic context (GRCh38, chr17:50,190,925, plus strand): 5'-CAGACCACGGACGCCATCTTTGCCAGGAGAGCCATCAGCACCTTTGGGACCAGCATCACC[C>T]TAAAGACATGGATAAGCTTGAGATTTCCAGTGTGGGGCAAGGAGGTGACCTATAGTGTTC-3'

ClinVar aggregate classification (germline): Pathogenic (1 of 4 stars; one submission).

Submission:

GeneDx
Classification: Pathogenic. Last evaluated: 2025-07-15. Review status: criteria provided, single submitter. Criteria: GeneDx Variant Classification Process June 2021. Collection method: clinical testing. Allele origin: germline. Affected: yes.
Comment: Damages or destroys the splice acceptor site in intron 32, and is expected to cause abnormal gene splicing; if the splice outcome is exon skip, the loss of the encoded residues in the triple helical region is expected to disrupt normal protein folding and function, and this is an established mechanism of disease (HGMD); Not observed at significant frequency in large population cohorts (gnomAD); This variant is associated with the following publications: (PMID: 27509835)